The following is an entry in ClinVar:

ClinVar aggregate classification (germline): Pathogenic (1 of 4 stars; one submission).

Conditions:
Hereditary breast ovarian cancer syndrome. Also called: Hereditary breast and ovarian cancer syndrome; Hereditary breast and ovarian cancer; Hereditary breast and ovarian cancer syndrome (HBOC); Breast and ovarian cancer; Hereditary breast and/or ovarian cancer syndrome; BRCA1- and BRCA2-Associated Hereditary Breast and Ovarian Cancer. Identifiers: Orphanet 145, MedGen C0677776, MeSH D061325, MONDO:0003582. Disease mechanism: loss of function.

Submission:

Labcorp Genetics (formerly Invitae), Labcorp
Classification: Pathogenic for Hereditary breast ovarian cancer syndrome. Last evaluated: 2024-01-05. Review status: criteria provided, single submitter. Criteria: Invitae Variant Classification Sherloc (09022015). Collection method: clinical testing. Allele origin: unknown.
Comment: This variant is a gross deletion of the genomic region encompassing exon(s) 15 of the BRCA1 gene. This deletion is out-of-frame, and is expected to create a premature termination codon and result in an absent or disrupted protein product. Loss-of-function variants in BRCA1 are known to be pathogenic (PMID: 20104584). A similar copy number variant has been observed in individual(s) with hereditary breast and ovarian cancer and breast cancer (PMID: 18431737, 23216102). This variant is also known as exon 16. For these reasons, this variant has been classified as Pathogenic.

Literature cited by the submitters: PubMed 20104584; PubMed 18431737; PubMed 23216102.

NC_000017.10:g.(?_41222925)_(41223275_?)del

Gene: BRCA1 (BRCA1 DNA repair associated; minus strand). Cytogenetic location: 17q21.31.
Variant type: Deletion.
Identifiers: ClinVar variation 3242981 (VCV003242981.1).